The following is an entry in ClinVar:

NM_004329.3(BMPR1A):c.334-8del

Gene: BMPR1A (bone morphogenetic protein receptor type 1A; plus strand). Cytogenetic location: 10q23.2.
Variant type: Deletion.
Coding change: c.334-8del on transcript NM_004329.3 (MANE Select); 8 bases into the intron before coding-DNA position 334, one base deleted (T; older notation c.334-8delT).
Molecular consequence: intron variant.
Genome position (GRCh38, 1-based): chr10:86,899,786, T deleted; the last of 2 consecutive T bases (chr10:86,899,785-86,899,786); deleting either gives the same sequence. VCF-style (leftmost placement, unchanged base first): chr10-86899784-CT-C. GRCh37 (hg19) VCF-style: chr10-88659541-CT-C.
Other names: c.334-8del (NM_001406563.1, NM_001406581.1, NM_001406561.1 and 22 more transcripts); c.250-8del (NM_001406584.1, NM_001406588.1, NM_001406587.1 and 2 more transcripts); c.333+7557del (NM_001406589.1).
Identifiers: ClinVar variation 3378988 (VCV003378988.1).

ClinVar aggregate classification (germline): Likely benign (1 of 4 stars; one submission).

Conditions:
Juvenile polyposis syndrome (JPS). Identifiers: Orphanet 2929, MedGen C0345893, MONDO:0017380, OMIM 174900.

Submission:

Myriad Genetics, Inc.
Classification: Likely benign for Juvenile polyposis syndrome. Last evaluated: 2024-08-01. Review status: criteria provided, single submitter. Criteria: Myriad Autosomal Dominant, Autosomal Recessive and X-Linked Classification Criteria (2023). Collection method: clinical testing. Allele origin: unknown.
Comment: This variant is considered likely benign. This variant is intronic and is not expected to impact mRNA splicing.